The following is an entry in ClinVar:

ClinVar aggregate classification (germline): Uncertain significance (1 of 4 stars; one submission).

Submission:

GeneDx
Classification: Uncertain significance. Last evaluated: 2023-11-05. Review status: criteria provided, single submitter. Criteria: GeneDx Variant Classification Process June 2021. Collection method: clinical testing. Allele origin: germline. Affected: yes.
Comment: Not observed at significant frequency in large population cohorts (gnomAD); In silico analysis supports that this missense variant does not alter protein structure/function; Has not been previously published as pathogenic or benign to our knowledge

NM_000525.4(KCNJ11):c.974G>T (p.Arg325Leu)

Gene: KCNJ11 (potassium inwardly rectifying channel subfamily J member 11; minus strand). Cytogenetic location: 11p15.1.
Variant type: single nucleotide variant.
Coding change: c.974G>T on transcript NM_000525.4 (MANE Select); coding-DNA position 974, G replaced by T.
Protein change: p.Arg325Leu; replaces arginine 325 with leucine.
Molecular consequence: missense variant.
Genome position (GRCh38, 1-based): chr11:17,387,118, C>A on the plus strand (G>T on the coding strand, the complement: KCNJ11 is on the minus strand). VCF-style: chr11-17387118-C-A. GRCh37 (hg19) VCF-style: chr11-17408665-C-A.
Other names: c.713G>T, p.Arg238Leu (NM_001166290.2, NM_001377296.1, NM_001377297.1); short protein forms R238L, R325L.
Identifiers: ClinVar variation 3363991 (VCV003363991.1).